The following is an entry in ClinVar:

ClinVar aggregate classification (germline): Conflicting classifications of pathogenicity. Review status: criteria provided, conflicting classifications (1 of 4 stars). 2 submissions from 2 submitters: Likely pathogenic (1); Uncertain significance (1). Last evaluated 2025-11-16.

Conditions:
Cardiovascular phenotype. Identifiers: MedGen CN230736.
Long QT syndrome (LQTS). Identifiers: MedGen C0023976, MeSH D008133, MONDO:0002442. Disease mechanism: loss of function. Inheritance: Various modes of inheritance.

gnomAD v4.1: 1 of 1,606,706 alleles (0.000062%); highest among the groups gnomAD compares: Non-Finnish European, 0.000085%; no homozygotes.

Submissions (2):

Labcorp Genetics (formerly Invitae), Labcorp
Classification: Uncertain significance for Long QT syndrome. Last evaluated: 2025-11-16. Review status: criteria provided, single submitter. Criteria: Invitae Variant Classification Sherloc (09022015). Collection method: clinical testing. Allele origin: germline.
Comment: This sequence change replaces alanine, which is neutral and non-polar, with proline, which is neutral and non-polar, at codon 32 of the KCNH2 protein (p.Ala32Pro). This variant is not present in population databases (gnomAD no frequency). This variant has not been reported in the literature in individuals affected with KCNH2-related conditions. ClinVar contains an entry for this variant (Variation ID: 3894851). An algorithm developed to predict the effect of missense changes on protein structure and function (PolyPhen-2) suggests that this variant is likely to be disruptive. In summary, the available evidence is currently insufficient to determine the role of this variant in disease. Therefore, it has been classified as a Variant of Uncertain Significance.

Molecular Diagnostic Laboratory for Inherited Cardiovascular Disease, Montreal Heart Institute
Classification: Likely pathogenic for Cardiovascular phenotype. Last evaluated: 2022-08-01. Review status: criteria provided, single submitter. Criteria: ACMG Guidelines, 2015. Collection method: clinical testing. Allele origin: germline. Affected: yes.

NM_000238.4(KCNH2):c.94G>C (p.Ala32Pro)

Gene: KCNH2 (potassium voltage-gated channel subfamily H member 2; minus strand). Cytogenetic location: 7q36.1.
Variant type: single nucleotide variant.
Coding change: c.94G>C on transcript NM_000238.4 (MANE Select); coding-DNA position 94, G replaced by C.
Protein change: p.Ala32Pro; replaces alanine 32 with proline.
Molecular consequence: missense variant. On other transcripts: 5 prime UTR variant (1), non-coding transcript variant (1).
Genome position (GRCh38, 1-based): chr7:150,974,924, C>G on the plus strand (G>C on the coding strand, the complement: KCNH2 is on the minus strand). VCF-style: chr7-150974924-C-G. GRCh37 (hg19) VCF-style: chr7-150672012-C-G.
Other names: c.-84G>C (NM_001406755.1); c.94G>C, p.Ala32Pro (NM_172056.3); short protein forms A32P.
Identifiers: ClinVar variation 3894851 (VCV003894851.2).